The following is an entry in ClinVar:

ClinVar aggregate classification (germline): Pathogenic (1 of 4 stars; one submission).

Submission:

Labcorp Genetics (formerly Invitae), Labcorp
Classification: Pathogenic. Last evaluated: 2023-01-13. Review status: criteria provided, single submitter. Criteria: Invitae Variant Classification Sherloc (09022015). Collection method: clinical testing. Allele origin: germline.
Comment: This sequence change creates a premature translational stop signal (p.Val36Phefs*25) in the RINT1 gene. It is expected to result in an absent or disrupted protein product. Loss-of-function variants in RINT1 are known to be pathogenic (PMID: 31204009). This variant is not present in population databases (gnomAD no frequency). This variant has not been reported in the literature in individuals affected with RINT1-related conditions. For these reasons, this variant has been classified as Pathogenic.

Literature cited by the submitters: PubMed 31204009.

NM_021930.6(RINT1):c.105del (p.Val36fs)

Gene: RINT1 (RAD50 interactor 1; plus strand). Cytogenetic location: 7q22.3.
Variant type: Deletion.
Coding change: c.105del on transcript NM_021930.6 (MANE Select); coding-DNA position 105, one base deleted (A; older notation c.105delA).
Protein change: p.Val36fs; shifts the reading frame from valine 36.
Molecular consequence: frameshift variant. On other transcripts: 5 prime UTR variant (3), non-coding transcript variant (1).
Genome position (GRCh38, 1-based): chr7:105,536,581, A deleted. VCF-style (leftmost placement, unchanged base first): chr7-105536580-CA-C. GRCh37 (hg19) VCF-style: chr7-105177027-CA-C.
Other names: c.8del, p.Gln3fs (NM_001346599.2); c.-915del (NM_001346600.2); c.-818del (NM_001346601.2); c.-438del (NM_001346603.2); short protein forms Q3fs, V36fs.
Identifiers: ClinVar variation 2828230 (VCV002828230.3), dbSNP rs2485099555, ClinGen allele CA2739278017.